The following is an entry in ClinVar:

ClinVar aggregate classification (germline): Uncertain significance. Review status: criteria provided, multiple submitters, no conflicts (2 of 4 stars). 2 submissions from 2 submitters: Uncertain significance (2). Last evaluated 2025-06-21.

Conditions:
Inborn genetic diseases. Identifiers: MedGen C0950123, MeSH D030342.
Deafness-lymphedema-leukemia syndrome. Also called: Lymphedema, primary, with myelodysplasia; Emberger syndrome. Identifiers: Orphanet 3226, MedGen C3279664, MONDO:0013540, OMIM 614038.
Monocytopenia with susceptibility to infections. Also called: GATA2 DEFICIENCY; Dendritic cell, monocyte, B lymphocyte, and natural killer lymphocyte deficiency; MONOCYTOPENIA AND MYCOBACTERIAL INFECTION SYNDROME; MONOCYTOPENIA WITH SUSCEPTIBILITY TO MYCOBACTERIAL, FUNGAL, AND PAPILLOMAVIRUS INFECTIONS AND MYELODYSPLASIA; COMBINED IMMUNODEFICIENCY WITH SUSCEPTIBILITY TO MYCOBACTERIAL, VIRAL, AND FUNGAL INFECTIONS; IMMUNODEFICIENCY 21. Identifiers: Orphanet 228423, MedGen C3280030, MONDO:0013607, OMIM 614172.

Submissions (2):

Ambry Genetics
Classification: Uncertain significance for Inborn genetic diseases. Last evaluated: 2025-06-21. Review status: criteria provided, single submitter. Criteria: Ambry Variant Classification Scheme 2023. Collection method: clinical testing. Allele origin: germline.
Comment: The p.H258Q variant (also known as c.774C>A), located in coding exon 2 of the GATA2 gene, results from a C to A substitution at nucleotide position 774. The histidine at codon 258 is replaced by glutamine, an amino acid with highly similar properties. This amino acid position is conserved. In addition, the in silico prediction for this alteration is inconclusive. Based on the available evidence, the clinical significance of this variant remains unclear.

Labcorp Genetics (formerly Invitae), Labcorp
Classification: Uncertain significance for Monocytopenia with susceptibility to infections; Deafness-lymphedema-leukemia syndrome. Last evaluated: 2023-07-06. Review status: criteria provided, single submitter. Criteria: Invitae Variant Classification Sherloc (09022015). Collection method: clinical testing. Allele origin: germline.
Comment: In summary, the available evidence is currently insufficient to determine the role of this variant in disease. Therefore, it has been classified as a Variant of Uncertain Significance. Advanced modeling of protein sequence and biophysical properties (such as structural, functional, and spatial information, amino acid conservation, physicochemical variation, residue mobility, and thermodynamic stability) performed at Invitae indicates that this missense variant is not expected to disrupt GATA2 protein function. ClinVar contains an entry for this variant (Variation ID: 1467453). This variant has not been reported in the literature in individuals affected with GATA2-related conditions. This variant is not present in population databases (gnomAD no frequency). This sequence change replaces histidine, which is basic and polar, with glutamine, which is neutral and polar, at codon 258 of the GATA2 protein (p.His258Gln).

NM_032638.5(GATA2):c.774C>A (p.His258Gln)

Gene: GATA2 (GATA binding protein 2; minus strand). Cytogenetic location: 3q21.3.
Variant type: single nucleotide variant.
Coding change: c.774C>A on transcript NM_032638.5 (MANE Select); coding-DNA position 774, C replaced by A.
Protein change: p.His258Gln; replaces histidine 258 with glutamine.
Molecular consequence: missense variant.
Genome position (GRCh38, 1-based): chr3:128,485,824, G>T on the plus strand (C>A on the coding strand, the complement: GATA2 is on the minus strand). VCF-style: chr3-128485824-G-T. GRCh37 (hg19) VCF-style: chr3-128204667-G-T.
Other names: c.774C>A, p.His258Gln (NM_001145661.2, NM_001145662.1); c.774C>A (NM_032638.4); short protein forms H258Q.
Identifiers: ClinVar variation 1467453 (VCV001467453.7), dbSNP rs1353328065, ClinGen allele CA354405966.